The following is an entry in ClinVar:

NM_001282531.3(ADNP):c.516C>A (p.Tyr172Ter)

Gene: ADNP (activity dependent neuroprotector homeobox; minus strand). Cytogenetic location: 20q13.13.
Variant type: single nucleotide variant.
Coding change: c.516C>A on transcript NM_001282531.3 (MANE Select); coding-DNA position 516, C replaced by A.
Protein change: p.Tyr172Ter; replaces tyrosine 172 with a stop codon.
Molecular consequence: nonsense. On other transcripts: 5 prime UTR variant (1).
Genome position (GRCh38, 1-based): chr20:50,894,198, G>T on the plus strand (C>A on the coding strand, the complement: ADNP is on the minus strand). VCF-style: chr20-50894198-G-T. GRCh37 (hg19) VCF-style: chr20-49510735-G-T.
Other names: c.516C>A, p.Tyr172Ter (NM_001282532.2, NM_001347511.2, NM_015339.5 and 1 more transcripts); c.732C>A, p.Tyr244Ter (NM_001439000.1); c.-169C>A (NM_001439001.1); short protein forms Y172*, Y244*.
Identifiers: ClinVar variation 4086270 (VCV004086270.2).

ClinVar aggregate classification (germline): Likely pathogenic. Review status: criteria provided, multiple submitters, no conflicts (2 of 4 stars). 2 submissions from 2 submitters: Likely pathogenic (2). Last evaluated 2025-09-24.

Conditions:
ADNP-related multiple congenital anomalies - intellectual disability - autism spectrum disorder. Also called: ADNP-Related Helsmoortel-Van der Aa Syndrome; Helsmoortel-Van der Aa Syndrome. Identifiers: Orphanet 404448, MedGen C4014538, MONDO:0014379, OMIM 615873. Disease mechanism: loss of function.
ADNP-related disorder. Also called: ADNP-related condition.

Submissions (2):

Clinical Genetics Laboratory, Skane University Hospital Lund
Classification: Likely pathogenic for ADNP-related multiple congenital anomalies - intellectual disability - autism spectrum disorder. Last evaluated: 2025-09-24. Review status: criteria provided, single submitter. Criteria: ACMG Guidelines, 2015. Collection method: clinical testing. Allele origin: germline. Inheritance: Autosomal dominant inheritance. Affected: yes.
Comment: ACMG criteria: PVS1_Strong, PS2_Moderate, PM2

Blueprint Genetics
Classification: Likely pathogenic for ADNP-related disorders. Last evaluated: 2019-12-02. Review status: criteria provided, single submitter. Criteria: ACMG Guidelines, 2015. Collection method: clinical testing. Allele origin: germline. Affected: yes. Observed: 1 variant allele.